The following is an entry in ClinVar:

ClinVar aggregate classification (germline): Uncertain significance (1 of 4 stars; one submission).

Conditions:
Long QT syndrome (LQTS). Identifiers: MedGen C0023976, MeSH D008133, MONDO:0002442. Disease mechanism: loss of function. Inheritance: Various modes of inheritance.

Allele frequency attached by ClinVar (database versions not stated): gnomAD exomes below 0.00001.
gnomAD v4.1: 2 of 973,584 alleles (0.00021%); highest among the groups gnomAD compares: Non-Finnish European, 0.0003%; no homozygotes.

Submissions (2):

Labcorp Genetics (formerly Invitae), Labcorp
Classification: Uncertain significance for Long QT syndrome. Last evaluated: 2022-07-04. Review status: criteria provided, single submitter. Criteria: Invitae Variant Classification Sherloc (09022015). Collection method: clinical testing. Allele origin: germline.
Comment: Algorithms developed to predict the effect of missense changes on protein structure and function (SIFT, PolyPhen-2, Align-GVGD) all suggest that this variant is likely to be tolerated. In summary, the available evidence is currently insufficient to determine the role of this variant in disease. Therefore, it has been classified as a Variant of Uncertain Significance. This variant has not been reported in the literature in individuals affected with KCNE1-related conditions. This variant is not present in population databases (gnomAD no frequency). This sequence change replaces lysine, which is basic and polar, with glutamic acid, which is acidic and polar, at codon 15 of the KCNE1 protein (p.Lys15Glu).

Roden Lab, Vanderbilt University Medical Center
No classification provided (evidence only). Condition: Long QT syndrome 5. Review status: no classification provided. Collection method: in vitro. Allele origin: not applicable. Functional consequence: Effect on ion channel function. Not counted in ClinVar's aggregate classification.
ClinVar note: "not provided" was previously submitted as the classification for the variant. However, the classification appeared to be based only on an observation of functional data so it was converted to no classification on 2025-07-30.

NM_000219.6(KCNE1):c.43A>G (p.Lys15Glu)

Gene: KCNE1 (potassium voltage-gated channel subfamily E regulatory subunit 1; minus strand). Cytogenetic location: 21q22.12.
Variant type: single nucleotide variant.
Coding change: c.43A>G on transcript NM_000219.6 (MANE Select); coding-DNA position 43, A replaced by G.
Protein change: p.Lys15Glu; replaces lysine 15 with glutamic acid.
Molecular consequence: missense variant.
Genome position (GRCh38, 1-based): chr21:34,449,592, T>C on the plus strand (A>G on the coding strand, the complement: KCNE1 is on the minus strand). VCF-style: chr21-34449592-T-C. GRCh37 (hg19) VCF-style: chr21-35821890-T-C.
Other names: c.43A>G, p.Lys15Glu (NM_001127668.4, NM_001127669.4, NM_001127670.4 and 4 more transcripts); short protein forms K15E.
Identifiers: ClinVar variation 2159101 (VCV002159101.4), dbSNP rs2516765058, ClinGen allele CA410198595.